The following is an entry in ClinVar:

NM_001103.4(ACTN2):c.2566_2614delinsGACGGATCAGGCCCAGTACTGCATCAAGAGGATGCCCGCCTACT (p.Pro856fs)

Gene: ACTN2 (actinin alpha 2; plus strand). Cytogenetic location: 1q43.
Variant type: Indel.
Coding change: c.2566_2614delinsGACGGATCAGGCCCAGTACTGCATCAAGAGGATGCCCGCCTACT on transcript NM_001103.4 (MANE Select); coding-DNA positions 2566 to 2614, the reference bases replaced by an inserted sequence.
Protein change: p.Pro856fs; shifts the reading frame from proline 856.
Molecular consequence: frameshift variant.
Genome position (GRCh38, 1-based): chr1:236,762,500-236,762,548, 49 bases replaced. GRCh37 (hg19): chr1:236,925,800-236,925,848.
Other names: c.2566_2614delCCGGATCAGGCCCAGTACTGCATCAAGAGGATGCCCGCCTACTCGGGCCinsGACGGATCAGGCCCAGTACTGCATCAAGAGGATGCCCGCCTACT (NM_001103.2); c.2566_2614delinsGACGGATCAGGCCCAGTACTGCATCAAGAGGATGCCCGCCTACT, p.Pro856fs (NM_001278343.2); c.1942_1990delinsGACGGATCAGGCCCAGTACTGCATCAAGAGGATGCCCGCCTACT, p.Pro648fs (NM_001278344.2); short protein forms P648fs, P856fs.
Identifiers: ClinVar variation 450831 (VCV000450831.4), dbSNP rs1553305275, ClinGen allele CA658656993.

ClinVar aggregate classification (germline): Uncertain significance (1 of 4 stars; one submission).

Submission:

GeneDx
Classification: Uncertain significance. Last evaluated: 2020-10-01. Review status: criteria provided, single submitter. Criteria: GeneDx Variant Classification Process June 2021. Collection method: clinical testing. Allele origin: germline. Affected: yes.
Comment: Has not been previously published as pathogenic or benign to our knowledge; Reported in ClinVar as a variant of uncertain significance (ClinVar Variant ID# 450831; Landrum et al., 2016); Not observed in large population cohorts (Lek et al., 2016); Frameshift variant predicted to result in an abnormal protein, where the last 39 amino acids are replaced with 81 incorrect amino acids; of note, the majority of pathogenic variants associated with ACTN2-related cardiomyopathy are missense changes (Stenson et al., 2014)